The following is an entry in ClinVar:

ClinVar aggregate classification (germline): Uncertain significance (1 of 4 stars; one submission).

Conditions:
Hereditary cancer-predisposing syndrome. Also called: Neoplastic Syndromes, Hereditary; Hereditary Cancer Syndrome; Tumor predisposition; Hereditary neoplastic syndrome. Identifiers: Orphanet 140162, MedGen C0027672, MeSH D009386, MONDO:0015356.

Allele frequency attached by ClinVar (database versions not stated): gnomAD exomes below 0.00001.
gnomAD v4.1: 1 of 1,614,118 alleles (0.000062%); highest among the groups gnomAD compares: East Asian, 0.0022%; no homozygotes.

Submission:

Ambry Genetics
Classification: Uncertain significance for Hereditary cancer-predisposing syndrome. Last evaluated: 2022-12-07. Review status: criteria provided, single submitter. Criteria: Ambry Variant Classification Scheme 2023. Collection method: clinical testing. Allele origin: germline.
Comment: The p.Q700H variant (also known as c.2100G>C), located in coding exon 14 of the PTCH1 gene, results from a G to C substitution at nucleotide position 2100. The glutamine at codon 700 is replaced by histidine, an amino acid with highly similar properties. This amino acid position is conserved. In addition, this alteration is predicted to be tolerated by in silico analysis. Since supporting evidence is limited at this time, the clinical significance of this alteration remains unclear.

NM_000264.5(PTCH1):c.2100G>C (p.Gln700His)

Genes: PTCH1 (patched 1; minus strand), LOC100507346 (uncharacterized LOC100507346; plus strand). Cytogenetic location: 9q22.32.
Variant type: single nucleotide variant.
Coding change: c.2100G>C on transcript NM_000264.5 (MANE Select); coding-DNA position 2100, G replaced by C.
Protein change: p.Gln700His; replaces glutamine 700 with histidine.
Molecular consequence: missense variant. On other transcripts: non-coding transcript variant (2).
Genome position (GRCh38, 1-based): chr9:95,468,901, C>G on the plus strand (G>C on the coding strand, the complement: PTCH1 is on the minus strand). VCF-style: chr9-95468901-C-G. GRCh37 (hg19) VCF-style: chr9-98231183-C-G.
Other names: c.1902G>C, p.Gln634His (NM_001083602.3); c.2097G>C, p.Gln699His (NM_001083603.3); c.1647G>C, p.Gln549His (NM_001083604.3, NM_001083605.3, NM_001083606.3 and 1 more transcripts); c.1944G>C, p.Gln648His (NM_001354918.2); short protein forms Q549H, Q634H, Q700H, Q699H, Q648H.
Identifiers: ClinVar variation 2449638 (VCV002449638.2), dbSNP rs2118037893, ClinGen allele CA374115659.